The following is an entry in ClinVar:

NM_001375524.1(TRRAP):c.1167C>T (p.His389=)

Gene: TRRAP (transformation/transcription domain associated protein; plus strand). Cytogenetic location: 7q22.1.
Variant type: single nucleotide variant.
Coding change: c.1167C>T on transcript NM_001375524.1 (MANE Select); coding-DNA position 1167, C replaced by T.
Protein change: p.His389=; no amino-acid change (histidine 389 retained).
Molecular consequence: synonymous variant.
Genome position (GRCh38, 1-based): chr7:98,908,779, C>T. VCF-style: chr7-98908779-C-T. GRCh37 (hg19) VCF-style: chr7-98506402-C-T.
Other names: c.1167C>T, p.His389= (NM_001244580.2, NM_003496.4).
Identifiers: ClinVar variation 1940869 (VCV001940869.20), dbSNP rs1554407957, ClinGen allele CA456656408.

ClinVar aggregate classification (germline): Likely benign. Review status: criteria provided, multiple submitters, no conflicts (2 of 4 stars). 3 submissions from 3 submitters: Likely benign (3). Last evaluated 2025-08-29.

Allele frequency attached by ClinVar (database versions not stated): gnomAD exomes below 0.00001; TOPMed below 0.00001.
gnomAD v4.1: 6 of 1,582,184 alleles (0.00038%); highest among the groups gnomAD compares: Non-Finnish European, 0.00043%; no homozygotes.

Submissions (3):

Labcorp Genetics (formerly Invitae), Labcorp
Classification: Likely benign. Last evaluated: 2025-08-29. Review status: criteria provided, single submitter. Criteria: Invitae Variant Classification Sherloc (09022015). Collection method: clinical testing. Allele origin: germline.

Blueprint Genetics
Classification: Likely benign. Last evaluated: 2024-11-11. Review status: criteria provided, single submitter. Criteria: ACMG Guidelines, 2015. Collection method: clinical testing. Allele origin: germline.

CeGaT Center for Human Genetics Tuebingen
Classification: Likely benign. Last evaluated: 2024-10-01. Review status: criteria provided, single submitter. Criteria: CeGaT Center For Human Genetics Tuebingen Variant Classification Criteria Version 2. Collection method: clinical testing. Allele origin: germline. Affected: yes. Observed: 1 variant allele.
Comment: TRRAP: BP4, BP7